The following is an entry in ClinVar:

NM_020365.5(EIF2B3):c.1252G>T (p.Gly418Cys)

Gene: EIF2B3 (eukaryotic translation initiation factor 2B subunit gamma; minus strand). Cytogenetic location: 1p34.1.
Variant type: single nucleotide variant.
Coding change: c.1252G>T on transcript NM_020365.5 (MANE Select); coding-DNA position 1252, G replaced by T.
Protein change: p.Gly418Cys; replaces glycine 418 with cysteine.
Molecular consequence: missense variant. On other transcripts: intron variant (1).
Genome position (GRCh38, 1-based): chr1:44,857,758, C>A on the plus strand (G>T on the coding strand, the complement: EIF2B3 is on the minus strand). VCF-style: chr1-44857758-C-A. GRCh37 (hg19) VCF-style: chr1-45323430-C-A.
Other names: c.1203-6755G>T (NM_001261418.2); short protein forms G418C.
Identifiers: ClinVar variation 1936175 (VCV001936175.3), dbSNP rs553737269, ClinGen allele CA21772197.

ClinVar aggregate classification (germline): Uncertain significance (1 of 4 stars; one submission).

gnomAD v4.1: 6 of 1,614,116 alleles (0.00037%); no homozygotes.

Submission:

Labcorp Genetics (formerly Invitae), Labcorp
Classification: Uncertain significance. Last evaluated: 2022-07-15. Review status: criteria provided, single submitter. Criteria: Invitae Variant Classification Sherloc (09022015). Collection method: clinical testing. Allele origin: germline.
Comment: In summary, the available evidence is currently insufficient to determine the role of this variant in disease. Therefore, it has been classified as a Variant of Uncertain Significance. Algorithms developed to predict the effect of missense changes on protein structure and function are either unavailable or do not agree on the potential impact of this missense change (SIFT: "Deleterious"; PolyPhen-2: "Possibly Damaging"; Align-GVGD: "Class C15"). This variant has not been reported in the literature in individuals affected with EIF2B3-related conditions. This variant is not present in population databases (gnomAD no frequency). This sequence change replaces glycine, which is neutral and non-polar, with cysteine, which is neutral and slightly polar, at codon 418 of the EIF2B3 protein (p.Gly418Cys).